The following is an entry in ClinVar:

ClinVar aggregate classification (germline): Benign/Likely benign. Review status: criteria provided, multiple submitters, no conflicts (2 of 4 stars). 4 submissions from 4 submitters: Benign (1); Likely benign (2). 1 of the submissions does not count toward it. Last evaluated 2026-06-16.

Conditions:
PDGFRA-related disorder. Also called: PDGFRA-related condition.
Hereditary cancer-predisposing syndrome. Also called: Tumor predisposition; Hereditary neoplastic syndrome; Neoplastic Syndromes, Hereditary; Hereditary Cancer Syndrome. Identifiers: Orphanet 140162, MedGen C0027672, MeSH D009386, MONDO:0015356.
Polyps, multiple and recurrent inflammatory fibroid, gastrointestinal. Identifiers: MedGen C5193005, MONDO:0008285, OMIM 175510.
Gastrointestinal stromal tumor. Also called: Gastrointestinal stroma tumor; Gastrointestinal stromal tumor, somatic. Identifiers: Orphanet 44890, MedGen C0238198, MeSH D046152, MONDO:0011719, OMIM 606764, HP:0100723.

Allele frequency attached by ClinVar (database versions not stated): TOPMed below 0.00001; gnomAD exomes 0.00002.
gnomAD v4.1: 24 of 1,606,992 alleles (0.0015%); highest among the groups gnomAD compares: Non-Finnish European, 0.002%; no homozygotes.

Submissions (4):

Myriad Genetics, Inc.
Classification: Benign for Polyps, multiple and recurrent inflammatory fibroid, gastrointestinal. Last evaluated: 2026-06-16. Review status: criteria provided, single submitter. Criteria: Myriad Autosomal Dominant, Autosomal Recessive and X-Linked Classification Criteria (2023). Collection method: clinical testing. Allele origin: unknown.
Comment: This variant is considered benign. This variant is a silent/synonymous amino acid change and it is not expected to impact splicing.

Labcorp Genetics (formerly Invitae), Labcorp
Classification: Likely benign for Gastrointestinal stromal tumor. Last evaluated: 2025-10-27. Review status: criteria provided, single submitter. Criteria: Invitae Variant Classification Sherloc (09022015). Collection method: clinical testing. Allele origin: germline.

Ambry Genetics
Classification: Likely benign for Hereditary cancer-predisposing syndrome. Last evaluated: 2022-04-08. Review status: criteria provided, single submitter. Criteria: Ambry Variant Classification Scheme 2023. Collection method: clinical testing. Allele origin: germline.

PreventionGenetics, part of Exact Sciences
Classification: Likely benign for PDGFRA-related condition. Last evaluated: 2023-10-24. Review status: no assertion criteria provided. Collection method: clinical testing. Allele origin: germline. Not counted in ClinVar's aggregate classification.
Comment: This variant is classified as likely benign based on ACMG/AMP sequence variant interpretation guidelines (Richards et al. 2015 PMID: 25741868, with internal and published modifications).

NM_006206.6(PDGFRA):c.1137A>G (p.Leu379=)

Gene: PDGFRA (platelet derived growth factor receptor alpha; plus strand). Cytogenetic location: 4q12.
Variant type: single nucleotide variant.
Coding change: c.1137A>G on transcript NM_006206.6 (MANE Select); coding-DNA position 1137, A replaced by G.
Protein change: p.Leu379=; no amino-acid change (leucine 379 retained).
Molecular consequence: synonymous variant.
Genome position (GRCh38, 1-based): chr4:54,270,648, A>G. VCF-style: chr4-54270648-A-G. GRCh37 (hg19) VCF-style: chr4-55136815-A-G.
Other names: c.1137A>G (NM_006206.5); c.1137A>G, p.Leu379= (NM_001347827.2, NM_001347829.2); c.1212A>G, p.Leu404= (NM_001347828.2); c.1176A>G, p.Leu392= (NM_001347830.2).
Identifiers: ClinVar variation 458987 (VCV000458987.17), dbSNP rs746195598, ClinGen allele CA96854503.